The following is an entry in ClinVar:

NC_000012.11:g.(?_116534454)_(116549337_?)del

Gene: MED13L (mediator complex subunit 13L; minus strand). Cytogenetic location: 12q24.21.
Variant type: Deletion.
Identifiers: ClinVar variation 2426139 (VCV002426139.3).

ClinVar aggregate classification (germline): Pathogenic (1 of 4 stars; one submission).

Conditions:
Dextro-looped transposition of the great arteries. Also called: Dextrotransposition of the great arteries. Identifiers: Orphanet 860, MedGen C3531771, MONDO:0019443, OMIM 608808, HP:0031348.

Submission:

Labcorp Genetics (formerly Invitae), Labcorp
Classification: Pathogenic for Dextro-looped transposition of the great arteries. Last evaluated: 2022-08-23. Review status: criteria provided, single submitter. Criteria: Invitae Variant Classification Sherloc (09022015). Collection method: clinical testing. Allele origin: germline.
Comment: For these reasons, this variant has been classified as Pathogenic. A similar copy number variant has been observed in individual(s) with MED13L-related conditions (PMID: 23403903, 25758992, 29511999, 29959045). In at least one individual the variant was observed to be de novo. This variant is a gross deletion of the genomic region encompassing exon(s) 3-4 of the MED13L gene. This deletion is out-of-frame, and is expected to create a premature termination codon and result in an absent or disrupted protein product. Loss-of-function variants in MED13L are known to be pathogenic (PMID: 25712080, 25758992).

Literature cited by the submitters: PubMed 23403903; PubMed 25758992; PubMed 29511999; PubMed 29959045; PubMed 25712080.